The following is an entry in ClinVar:

ClinVar aggregate classification (germline): Uncertain significance (1 of 4 stars; one submission).

Allele frequency attached by ClinVar (database versions not stated): gnomAD exomes below 0.00001.
gnomAD v4.1: 1 of 1,613,640 alleles (0.000062%); highest among the groups gnomAD compares: Admixed American, 0.0017%; no homozygotes.

Submission:

Labcorp Genetics (formerly Invitae), Labcorp
Classification: Uncertain significance. Last evaluated: 2024-10-15. Review status: criteria provided, single submitter. Criteria: Invitae Variant Classification Sherloc (09022015). Collection method: clinical testing. Allele origin: germline.
Comment: This sequence change replaces lysine, which is basic and polar, with glutamine, which is neutral and polar, at codon 945 of the ANK3 protein (p.Lys945Gln). This variant is present in population databases (no rsID available, gnomAD 0.003%). This variant has not been reported in the literature in individuals affected with ANK3-related conditions. ClinVar contains an entry for this variant (Variation ID: 2042406). Invitae Evidence Modeling of protein sequence and biophysical properties (such as structural, functional, and spatial information, amino acid conservation, physicochemical variation, residue mobility, and thermodynamic stability) has been performed for this missense variant. However, the output from this modeling did not meet the statistical confidence thresholds required to predict the impact of this variant on ANK3 protein function. In summary, the available evidence is currently insufficient to determine the role of this variant in disease. Therefore, it has been classified as a Variant of Uncertain Significance.

NM_020987.5(ANK3):c.2833A>C (p.Lys945Gln)

Gene: ANK3 (ankyrin 3; minus strand). Cytogenetic location: 10q21.2.
Variant type: single nucleotide variant.
Coding change: c.2833A>C on transcript NM_020987.5 (MANE Select); coding-DNA position 2833, A replaced by C.
Protein change: p.Lys945Gln; replaces lysine 945 with glutamine.
Molecular consequence: missense variant.
Genome position (GRCh38, 1-based): chr10:60,134,279, T>G on the plus strand (A>C on the coding strand, the complement: ANK3 is on the minus strand). VCF-style: chr10-60134279-T-G. GRCh37 (hg19) VCF-style: chr10-61894037-T-G.
Other names: c.235A>C, p.Lys79Gln (NM_001149.4); c.2815A>C, p.Lys939Gln (NM_001204403.2); c.2836A>C, p.Lys946Gln (NM_001204404.2); c.2833A>C, p.Lys945Gln (NM_001320874.2); short protein forms K946Q, K79Q, K939Q, K945Q.
Identifiers: ClinVar variation 2042406 (VCV002042406.4), dbSNP rs1224104906, ClinGen allele CA376996338.
Genomic context (GRCh38, chr10:60,134,279, plus strand): 5'-TCATACAAATGTAAGTTTAATGGTCAAAGGCTATTTTGAAAAGAATGCATACCTGCTCTT[T>G]GGATGGCACAAGGAGTTCTTCAATCATCATGCTGTCCCGTGCATAGGAGCTTCTGTTCAA-3'
Protein context (NP_066267.2, residues 935-955): MMIEELLVPS[Lys945Gln]EQHLTFTREF